The following is an entry in ClinVar:

NM_000135.4(FANCA):c.541G>C (p.Ala181Pro)

Gene: FANCA (FA complementation group A; minus strand). Cytogenetic location: 16q24.3.
Variant type: single nucleotide variant.
Coding change: c.541G>C on transcript NM_000135.4 (MANE Select); coding-DNA position 541, G replaced by C.
Protein change: p.Ala181Pro; replaces alanine 181 with proline.
Molecular consequence: missense variant.
Genome position (GRCh38, 1-based): chr16:89,808,349, C>G on the plus strand (G>C on the coding strand, the complement: FANCA is on the minus strand). VCF-style: chr16-89808349-C-G. GRCh37 (hg19) VCF-style: chr16-89874757-C-G.
Other names: c.541G>C, p.Ala181Pro (NM_001018112.3, NM_001286167.3); c.445G>C, p.Ala149Pro (NM_001351830.2); short protein forms A149P, A181P.
Identifiers: ClinVar variation 3720891 (VCV003720891.2).
Genomic context (GRCh38, chr16:89,808,349, plus strand): 5'-GCTACCTTTCCAGCAGCTCTTGCAGGCTCACAATGCCTTGTACGTGAAGATGCCACACCG[C>G]TTCAAGCAACAAAGAACTCTGAAAAACAAAACAAAACAAACAAAAACAAAAACAAAAAAA-3'
Protein context (NP_000126.2, residues 171-191): WKIQSSLLLE[Ala181Pro]VWHLHVQGIV

ClinVar aggregate classification (germline): Uncertain significance (1 of 4 stars; one submission).

Conditions:
Fanconi anemia (FA). Also called: Fanconi's anemia. Identifiers: Orphanet 84, MedGen C0015625, MeSH D005199, MONDO:0019391.

Submission:

Labcorp Genetics (formerly Invitae), Labcorp
Classification: Uncertain significance for Fanconi anemia. Last evaluated: 2024-12-18. Review status: criteria provided, single submitter. Criteria: Invitae Variant Classification Sherloc (09022015). Collection method: clinical testing. Allele origin: germline.
Comment: This sequence change replaces alanine, which is neutral and non-polar, with proline, which is neutral and non-polar, at codon 181 of the FANCA protein (p.Ala181Pro). This variant is not present in population databases (gnomAD no frequency). This variant has not been reported in the literature in individuals affected with FANCA-related conditions. Invitae Evidence Modeling of protein sequence and biophysical properties (such as structural, functional, and spatial information, amino acid conservation, physicochemical variation, residue mobility, and thermodynamic stability) has been performed for this missense variant. However, the output from this modeling did not meet the statistical confidence thresholds required to predict the impact of this variant on FANCA protein function. In summary, the available evidence is currently insufficient to determine the role of this variant in disease. Therefore, it has been classified as a Variant of Uncertain Significance.